The following is an entry in ClinVar:

NM_001346022.3(USP45):c.931_932del (p.Lys311fs)

Gene: USP45 (ubiquitin specific peptidase 45; minus strand). Cytogenetic location: 6q16.2.
Variant type: Deletion.
Coding change: c.931_932del on transcript NM_001346022.3 (MANE Select); coding-DNA positions 931 to 932, 2 bases deleted (AA; older notation c.931_932delAA).
Protein change: p.Lys311fs; shifts the reading frame from lysine 311.
Molecular consequence: frameshift variant. On other transcripts: 5 prime UTR variant (3), non-coding transcript variant (5).
Genome position (GRCh38, 1-based): chr6:99,476,144-99,476,145, TT deleted on the plus strand (AA on the coding strand, the reverse complement: USP45 is on the minus strand); deleting any 2 consecutive bases within chr6:99,476,144-99,476,146 gives the same sequence; the c. name uses the placement nearest the transcript's 3' end. VCF-style (leftmost placement, unchanged base first): chr6-99476143-CTT-C. GRCh37 (hg19) VCF-style: chr6-99924019-CTT-C.
Other names: p.(Lys311AlafsTer5); c.931_932del, p.Lys311fs (NM_001080481.3, NM_001346021.3, NM_001346024.3 and 2 more transcripts); c.928_929del, p.Lys310fs (NM_001346023.3, NM_001346025.3); c.-58_-57del (NM_001346027.3, NM_001346028.3, NM_001346029.3); c.931_932delAA (NM_001346022.3); short protein forms K310fs, K311fs.
Identifiers: ClinVar variation 3901119 (VCV003901119.1).
Genomic context (GRCh38, chr6:99,476,143, plus strand): 5'-TCCCTTAGTTTTGTATCCTCTTCTTGAAGAGAATACATGATATACATAAAGAAACCTGAC[CTT>C]TGTTTCTTCTGTCCTCACTGCATCCAGAAGATAATGAAGAAGCTCCTGACTGTCCTGTTG-3'

ClinVar aggregate classification (germline): Likely pathogenic (0 of 4 stars; one submission).

Conditions:
Leber congenital amaurosis 19. Identifiers: MedGen C5193139, MONDO:0032794, OMIM 618513.

Submission:

Medical Genetics, Faculty of Medicine, Dokuz Eylül University
Classification: Likely pathogenic for Leber congenital amaurosis 19. Last evaluated: 2025-06-03. Review status: no assertion criteria provided. Collection method: clinical testing. Allele origin: germline. Inheritance: Autosomal dominant inheritance. Observed: 1 heterozygote.
Comment: This variant, which is located in the nineth exon and coding region of the gene, is predicted to lead to frameshift and premature stop codon formation. The variant has not been previously reported in databases and literature.